The following is an entry in ClinVar:

NM_002382.5(MAX):c.280C>G (p.Leu94Val)

Gene: MAX (MYC associated transcriptional regulator X; minus strand). Cytogenetic location: 14q23.3.
Variant type: single nucleotide variant.
Coding change: c.280C>G on transcript NM_002382.5 (MANE Select); coding-DNA position 280, C replaced by G.
Protein change: p.Leu94Val; replaces leucine 94 with valine.
Molecular consequence: missense variant. On other transcripts: synonymous variant (4), 5 prime UTR variant (2), non-coding transcript variant (7), intron variant (2).
Genome position (GRCh38, 1-based): chr14:65,077,928, G>C on the plus strand (C>G on the coding strand, the complement: MAX is on the minus strand). VCF-style: chr14-65077928-G-C. GRCh37 (hg19) VCF-style: chr14-65544646-G-C.
Other names: c.6C>G, p.Leu2= (NM_001320415.2, NM_001407105.1, NM_001407106.1 and 1 more transcripts); c.280C>G, p.Leu94Val (NM_001407094.1, NM_001407096.1, NM_001407097.1 and 3 more transcripts); c.253C>G, p.Leu85Val (NM_001407095.1, NM_001407099.1, NM_001407100.1 and 6 more transcripts); c.172C>G, p.Leu58Val (NM_001407098.1); c.-88C>G (NM_001407112.1, NM_001407111.1); c.144+15780C>G (NM_001271069.2); c.171+15780C>G (NM_197957.4); short protein forms L94V, L85V, L58V.
Identifiers: ClinVar variation 954374 (VCV000954374.13), dbSNP rs1595130897, ClinGen allele CA390035404.
Genomic context (GRCh38, chr14:65,077,928, plus strand): 5'-CTGGAGCACAGCAGGGCCAGCTGCCCCACGAGCTCGGGTGCTCACCTTGCTGCTCCAGAA[G>C]AGCATTCTGCCGCTTGAGGTCGTCAATATCTTGCTGGTGTGTGTGGTTTTTCCTTCGCAT-3'
Protein context (NP_002373.3, residues 84-104): DIDDLKRQNA[Leu94Val]LEQQVRALEK

ClinVar aggregate classification (germline): Uncertain significance. Review status: criteria provided, multiple submitters, no conflicts (2 of 4 stars). 2 submissions from 2 submitters: Uncertain significance (2). Last evaluated 2023-05-02.

Conditions:
Hereditary pheochromocytoma and paraganglioma. Also called: Hereditary pheochromocytoma-paraganglioma; Hereditary Paraganglioma-Pheochromocytoma Syndromes; Hereditary paragangliomas and pheochromocytomas. Identifiers: Orphanet 29072, MedGen C4274332, MONDO:0017366.
Hereditary cancer-predisposing syndrome. Also called: Hereditary neoplastic syndrome; Hereditary Cancer Syndrome; Tumor predisposition; Neoplastic Syndromes, Hereditary. Identifiers: Orphanet 140162, MedGen C0027672, MeSH D009386, MONDO:0015356.

Submissions (2):

Ambry Genetics
Classification: Uncertain significance for Hereditary cancer-predisposing syndrome. Last evaluated: 2023-05-02. Review status: criteria provided, single submitter. Criteria: Ambry Variant Classification Scheme 2023. Collection method: clinical testing. Allele origin: germline.
Comment: The p.L94V variant (also known as c.280C>G), located in coding exon 4 of the MAX gene, results from a C to G substitution at nucleotide position 280. The leucine at codon 94 is replaced by valine, an amino acid with highly similar properties. This amino acid position is highly conserved in available vertebrate species. In addition, the in silico prediction for this alteration is inconclusive. Since supporting evidence is limited at this time, the clinical significance of this alteration remains unclear.

Labcorp Genetics (formerly Invitae), Labcorp
Classification: Uncertain significance for Hereditary pheochromocytoma and paraganglioma. Last evaluated: 2019-08-13. Review status: criteria provided, single submitter. Criteria: Invitae Variant Classification Sherloc (09022015). Collection method: clinical testing. Allele origin: germline.
Comment: This sequence change replaces leucine with valine at codon 94 of the MAX protein (p.Leu94Val). The leucine residue is highly conserved and there is a small physicochemical difference between leucine and valine. This variant is not present in population databases (ExAC no frequency). This variant has not been reported in the literature in individuals with MAX-related conditions. Algorithms developed to predict the effect of missense changes on protein structure and function are either unavailable or do not agree on the potential impact of this missense change (SIFT: "Deleterious"; PolyPhen-2: "Benign"; Align-GVGD: "Class C15"). In summary, the available evidence is currently insufficient to determine the role of this variant in disease. Therefore, it has been classified as a Variant of Uncertain Significance.